The following is an entry in ClinVar:

NM_000138.5(FBN1):c.5485G>C (p.Gly1829Arg)

Gene: FBN1 (fibrillin 1; minus strand). Cytogenetic location: 15q21.1.
Variant type: single nucleotide variant.
Coding change: c.5485G>C on transcript NM_000138.5 (MANE Select); coding-DNA position 5485, G replaced by C.
Protein change: p.Gly1829Arg; replaces glycine 1829 with arginine.
Molecular consequence: missense variant.
Genome position (GRCh38, 1-based): chr15:48,452,622, C>G on the plus strand (G>C on the coding strand, the complement: FBN1 is on the minus strand). VCF-style: chr15-48452622-C-G. GRCh37 (hg19) VCF-style: chr15-48744819-C-G.
Other names: short protein forms G1829R.
Identifiers: ClinVar variation 649332 (VCV000649332.12), dbSNP rs1597537835, ClinGen allele CA392344234.

ClinVar aggregate classification (germline): Likely pathogenic (1 of 4 stars; one submission).

Conditions:
Familial thoracic aortic aneurysm and aortic dissection (TAAD). Also called: Thoracic aortic aneurysms and dissections. Identifiers: Orphanet 91387, MedGen C4707243, MONDO:0019625.
Stiff skin syndrome (SSKS). Identifiers: Orphanet 2833, MedGen C1861456, MONDO:0008492, OMIM 184900.
Ectopia lentis 1, isolated, autosomal dominant (ECTOL1). Identifiers: Orphanet 1885, MedGen C3541518, MONDO:0007514, OMIM 129600.
Marfan syndrome (MFS). Also called: FBN1-Related Marfan Syndrome; Marfan syndrome type 1; Marfan's syndrome; Marfan syndrome, classic; MARFAN SYNDROME, TYPE I. Identifiers: Orphanet 284963, Orphanet 558, MedGen C0024796, MONDO:0007947, OMIM 154700.
MASS syndrome (OCTD). Also called: MASS PHENOTYPE; OVERLAP CONNECTIVE TISSUE DISEASE. Identifiers: MedGen C1858556, MONDO:0011431, OMIM 604308.

Submission:

Labcorp Genetics (formerly Invitae), Labcorp
Classification: Likely pathogenic for Marfan syndrome; Familial thoracic aortic aneurysm and aortic dissection. Last evaluated: 2025-11-13. Review status: criteria provided, single submitter. Criteria: Invitae Variant Classification Sherloc (09022015). Collection method: clinical testing. Allele origin: germline.
Comment: This sequence change replaces glycine, which is neutral and non-polar, with arginine, which is basic and polar, at codon 1829 of the FBN1 protein (p.Gly1829Arg). This variant is not present in population databases (gnomAD no frequency). This missense change has been observed in individuals with clinical features of Marfan syndrome (PMID: 28941062; internal data). ClinVar contains an entry for this variant (Variation ID: 649332). Invitae Evidence Modeling of protein sequence and biophysical properties (such as structural, functional, and spatial information, amino acid conservation, physicochemical variation, residue mobility, and thermodynamic stability) indicates that this missense variant is expected to disrupt FBN1 protein function with a positive predictive value of 95%. In summary, the currently available evidence indicates that the variant is pathogenic, but additional data are needed to prove that conclusively. Therefore, this variant has been classified as Likely Pathogenic.

Literature cited by the submitters: PubMed 28941062 (cited by Labcorp Genetics (formerly Invitae), Labcorp).